The following is an entry in ClinVar:

ClinVar aggregate classification (germline): Benign/Likely benign. Review status: criteria provided, multiple submitters, no conflicts (2 of 4 stars). 4 submissions from 4 submitters: Benign (2); Likely benign (2). Last evaluated 2026-02-01.

Conditions:
Leukodystrophy, hypomyelinating, 6. Also called: Hypomyelination with Atrophy of Basal Ganglia and Cerebellum (H-ABC); LEUKODYSTROPHY, HYPOMYELINATING, WITH ATROPHY OF THE BASAL GANGLIA AND CEREBELLUM; TUBB4A-Associated Leukodystrophy. Identifiers: Orphanet 139441, MedGen C2676244, MONDO:0012905, OMIM 612438.

Allele frequency attached by ClinVar (database versions not stated): gnomAD 0.00001 and 0.00004; TOPMed 0.00001; gnomAD exomes 0.00006 and 0.00013; ExAC 0.00016; 1000 Genomes Project 0.00020; 1000 Genomes Project 30x 0.00031.

Submissions (4):

CeGaT Center for Human Genetics Tuebingen
Classification: Likely benign. Last evaluated: 2026-02-01. Review status: criteria provided, single submitter. Criteria: CeGaT Center For Human Genetics Tuebingen Variant Classification Criteria Version 2. Collection method: clinical testing. Allele origin: germline. Affected: yes. Observed: 1 variant allele.
Comment: TUBB4A: BP4, BP7, BS1

Labcorp Genetics (formerly Invitae), Labcorp
Classification: Benign for Leukodystrophy, hypomyelinating, 6. Last evaluated: 2025-11-26. Review status: criteria provided, single submitter. Criteria: Invitae Variant Classification Sherloc (09022015). Collection method: clinical testing. Allele origin: germline.

Blueprint Genetics
Classification: Likely benign. Last evaluated: 2024-11-25. Review status: criteria provided, single submitter. Criteria: ACMG Guidelines, 2015. Collection method: clinical testing. Allele origin: germline.

GeneDx
Classification: Benign. Last evaluated: 2020-04-06. Review status: criteria provided, single submitter. Criteria: GeneDx Variant Classification Process June 2021. Collection method: clinical testing. Allele origin: germline. Affected: yes.

NM_006087.4(TUBB4A):c.510G>A (p.Val170=)

Gene: TUBB4A (tubulin beta 4A class IVa; minus strand). Cytogenetic location: 19p13.3.
Variant type: single nucleotide variant.
Coding change: c.510G>A on transcript NM_006087.4 (MANE Select); coding-DNA position 510, G replaced by A.
Protein change: p.Val170=; no amino-acid change (valine 170 retained).
Molecular consequence: synonymous variant.
Genome position (GRCh38, 1-based): chr19:6,495,989, C>T on the plus strand (G>A on the coding strand, the complement: TUBB4A is on the minus strand). VCF-style: chr19-6495989-C-T. GRCh37 (hg19) VCF-style: chr19-6496000-C-T.
Other names: c.663G>A, p.Val221= (NM_001289123.2); c.645G>A, p.Val215= (NM_001289127.2); c.510G>A, p.Val170= (NM_001289129.2); c.294G>A, p.Val98= (NM_001289130.2, NM_001289131.2).
Identifiers: ClinVar variation 705697 (VCV000705697.14), dbSNP rs371280184, ClinGen allele CA9127358.